The following is an entry in ClinVar:

NM_052867.4(NALCN):c.3272C>A (p.Ala1091Glu)

Gene: NALCN (sodium leak channel, non-selective; minus strand). Cytogenetic location: 13q32.3.
Variant type: single nucleotide variant.
Coding change: c.3272C>A on transcript NM_052867.4 (MANE Select); coding-DNA position 3272, C replaced by A.
Protein change: p.Ala1091Glu; replaces alanine 1091 with glutamic acid.
Molecular consequence: missense variant.
Genome position (GRCh38, 1-based): chr13:101,089,964, G>T on the plus strand (C>A on the coding strand, the complement: NALCN is on the minus strand). VCF-style: chr13-101089964-G-T. GRCh37 (hg19) VCF-style: chr13-101742315-G-T.
Other names: p.Ala1091Glu; c.3359C>A, p.Ala1120Glu (NM_001350748.2); c.3272C>A, p.Ala1091Glu (NM_001350749.2); c.3185C>A, p.Ala1062Glu (NM_001350750.2, NM_001350751.2); short protein forms A1062E, A1091E, A1120E.
Identifiers: ClinVar variation 1033019 (VCV001033019.18), dbSNP rs147053581, ClinGen allele CA7035438.
Genomic context (GRCh38, chr13:101,089,964, plus strand): 5'-ACTTCAAACAACGCCAGCATAGCGTTTCCCACATTGTCGAAATTAAAGTTCCGAGGATTC[G>T]CCCTGCGATTCCAATACAGGAATGTTCTGTGAAATTCCAATAAGCAGCACCCGAAGGCAA-3'
Protein context (NP_443099.1, residues 1081-1101): KPGFWVPRVW[Ala1091Glu]NPRNFNFDNV

ClinVar aggregate classification (germline): Uncertain significance. Review status: criteria provided, multiple submitters, no conflicts (2 of 4 stars). 6 submissions from 6 submitters: Uncertain significance (5). 1 of the submissions does not count toward it. Last evaluated 2026-08-04.

Conditions:
Inborn genetic diseases. Identifiers: MedGen C0950123, MeSH D030342.
NALCN-related disorder. Also called: NALCN-related condition; NALCN-related disorders.
Congenital contractures of the limbs and face, hypotonia, and developmental delay (CLIFAHDD). Identifiers: Orphanet 562528, MedGen C4225398, MONDO:0014556, OMIM 616266.

Allele frequency attached by ClinVar (database versions not stated): gnomAD 0.00064 and 0.00062; TOPMed 0.00057; ESP Exome Variant Server 0.00108; ExAC 0.00073.
gnomAD v4.1: 1,752 of 1,613,666 alleles (0.11%); highest among the groups gnomAD compares: Non-Finnish European, 0.13%; no homozygotes.

Submissions (6):

GeneDx
Classification: Uncertain significance. Last evaluated: 2026-08-04. Review status: criteria provided, single submitter. Criteria: GeneDx Variant Classification Process June 2021. Collection method: clinical testing. Allele origin: germline.
Comment: In silico analysis supports that this missense variant has a deleterious effect on protein structure/function; Has not been previously published in a peer reviewed publication as pathogenic or benign to our knowledge; This variant is associated with the following publications: (PMID: Weidling2025[Functional])

Ambry Genetics
Classification: Uncertain significance for Inborn genetic diseases. Last evaluated: 2026-02-11. Review status: criteria provided, single submitter. Criteria: Ambry Variant Classification Scheme 2023. Collection method: clinical testing. Allele origin: germline.
Comment: The c.3272C>A (p.A1091E) alteration is located in exon 29 (coding exon 28) of the NALCN gene. This alteration results from a C to A substitution at nucleotide position 3272, causing the alanine (A) at amino acid position 1091 to be replaced by a glutamic acid (E). Based on data from gnomAD, the A allele has an overall frequency of 0.061% (171/281986) total alleles studied. The highest observed frequency was 0.104% (133/128444) of European (non-Finnish) alleles. Based on insufficient or conflicting evidence, the clinical significance of this alteration remains unclear.

Labcorp Genetics (formerly Invitae), Labcorp
Classification: Uncertain significance. Last evaluated: 2025-09-08. Review status: criteria provided, single submitter. Criteria: Invitae Variant Classification Sherloc (09022015). Collection method: clinical testing. Allele origin: germline.
Comment: This sequence change replaces alanine, which is neutral and non-polar, with glutamic acid, which is acidic and polar, at codon 1091 of the NALCN protein (p.Ala1091Glu). This variant is present in population databases (rs147053581, gnomAD 0.1%), and has an allele count higher than expected for a pathogenic variant. This variant has not been reported in the literature in individuals affected with NALCN-related conditions. ClinVar contains an entry for this variant (Variation ID: 1033019). An algorithm developed to predict the effect of missense changes on protein structure and function (PolyPhen-2) suggests that this variant is likely to be disruptive. In summary, the available evidence is currently insufficient to determine the role of this variant in disease. Therefore, it has been classified as a Variant of Uncertain Significance.

Mayo Clinic Laboratories, Mayo Clinic
Classification: Uncertain significance. Last evaluated: 2025-04-04. Review status: criteria provided, single submitter. Criteria: ACMG Guidelines, 2015. Collection method: clinical testing. Allele origin: germline. Observed: 1 variant allele.
Comment: BS1, PP2, PP3_moderate

Baylor Genetics
Classification: Uncertain significance for Congenital contractures of the limbs and face, hypotonia, and developmental delay. Last evaluated: 2018-09-28. Review status: criteria provided, single submitter. Criteria: ACMG Guidelines, 2015. Collection method: clinical testing. Allele origin: paternal. Affected: yes.
Comment: This variant was determined to be of uncertain significance according to ACMG Guidelines, 2015 [PMID:25741868].

PreventionGenetics, part of Exact Sciences
Classification: Uncertain significance for NALCN-related condition. Last evaluated: 2024-01-29. Review status: no assertion criteria provided. Collection method: clinical testing. Allele origin: germline. Not counted in ClinVar's aggregate classification.
Comment: The NALCN c.3272C>A variant is predicted to result in the amino acid substitution p.Ala1091Glu. To our knowledge, this variant has not been reported in the literature. This variant is reported in 0.10% of alleles in individuals of European (non-Finnish) descent in gnomAD. Although we suspect that this variant may be benign, at this time, the clinical significance of this variant is uncertain due to the absence of conclusive functional and genetic evidence.